The following continues an entry in ClinVar:

NM_007294.4(BRCA1):c.68_69del (p.Glu23fs)

Gene: BRCA1. ClinVar aggregate classification (germline): Pathogenic. Pathogenic (1).

Submissions 45 to 61 of 97:

GeneKor MSA
Classification: Pathogenic for Hereditary Breast Carcinoma. Last evaluated: 2020-01-01. Review status: criteria provided, single submitter. Criteria: ACMG Guidelines, 2015. Collection method: clinical testing. Allele origin: germline. Affected: yes. Not counted in ClinVar's aggregate classification.
Comment: This sequence change deletes 2 nucleotides from exon 2 of the BRCA1 mRNA (c.68_69delAG), causing a frameshift after codon 23 and the creation of a premature translation stop signal 17 amino acid residues later - p.(Glu23Valfs*17). This is expected to result in an absent or disrupted protein product.This variant, also known as BRCA1_185delAG or 187delAG, is one of three main pathogenic founder variants in the Ashkenazi Jewish population although it has been observed in individuals from other ethnicities as well (PMID: 23199084 ). This mutation has been described in the mutation database ClinVar(Variation ID: 17662).

GeneDx
Classification: Pathogenic. Last evaluated: 2019-10-16. Review status: criteria provided, single submitter. Criteria: GeneDx Variant Classification Process June 2021. Collection method: clinical testing. Allele origin: germline. Affected: yes. Not counted in ClinVar's aggregate classification.
Comment: Frameshift variant predicted to result in protein truncation or nonsense mediated decay in a gene for which loss-of-function is a known mechanism of disease; Truncating variants in this gene are considered pathogenic by a well-established clinical consortium and/or database; Also known as 185delAG or 187delAG; This variant is associated with the following publications: (PMID: 18594935, 26071757, 26221963, 27259235, 28049106, 26822237, 29176636, 31948886, 22703879, 22535016, 22516946, 22009639, 23633455, 23658460, 22763381, 23086583, 19906413, 21503673, 22430266, 20711688, 22752604, 22006311, 7611277, 23867111, 25556971, 24737347, 26440929, 26689913, 26641009, 27553291, 23788959, 26718727, 26681312, 27836010, 29321669, 27062684, 28528518, 11802208, 28477318, 29339979, 29752822, 28324225, 27989354, 29907814, 29431110, 29560538, 26556299, 10464624, 29470806, 28390335, 28993434, 26357657, 29161300, 30702160, 30067863, 30152102, 30630528, 30122538, 30186769, 30720243, 30322717, 30093976, 31159747, 30113427, 31372034, 30489631, 30612635, 31454914, 31528241, 29625052, 31447099, 31980526, 34308366, 33646313, 10739756, 10733239, 11597388, 9042909, 12220453, 31589614, 32341426, 9634504, 10885601, 32719484, 33556450, 12491828, 32338768, 30875412, 30787465, 16030426, 33224455)

HudsonAlpha Institute for Biotechnology
Classification: Pathogenic for Breast-ovarian cancer, familial, susceptibility to, 1. Last evaluated: 2019-01-22. Review status: criteria provided, single submitter. Criteria: ACMG Guidelines, 2015. Collection method: research. Allele origin: unknown. Observed: 1 variant allele. Study: AGHI_GT. Not counted in ClinVar's aggregate classification.

Department of Pathology and Laboratory Medicine, Sinai Health System
Classification: Pathogenic for Fanconi anemia, complementation group S. Last evaluated: 2018-10-26. Review status: criteria provided, single submitter. Criteria: ACMG Guidelines, 2015. Collection method: clinical testing. Allele origin: germline. Affected: yes. Not counted in ClinVar's aggregate classification.

Mendelics
Classification: Pathogenic for Hereditary breast and ovarian cancer syndrome. Last evaluated: 2018-07-02. Review status: criteria provided, single submitter. Criteria: Mendelics Assertion Criteria 2017. Collection method: clinical testing. Allele origin: unknown. Not counted in ClinVar's aggregate classification.

Institute for Biomarker Research, Medical Diagnostic Laboratories, L.L.C.
Classification: Pathogenic for Hereditary cancer-predisposing syndrome. Last evaluated: 2018-05-23. Review status: criteria provided, single submitter. Criteria: ACMG Guidelines, 2015. Collection method: clinical testing. Allele origin: germline. Not counted in ClinVar's aggregate classification.

Genomic Research Center, Shahid Beheshti University of Medical Sciences
Classification: Pathogenic for Breast-ovarian cancer, familial, susceptibility to, 1. Last evaluated: 2017-12-03. Review status: criteria provided, single submitter. Criteria: ACMG Guidelines, 2015. Collection method: clinical testing. Allele origin: inherited. Affected: yes. Not counted in ClinVar's aggregate classification.

Women's Health and Genetics/Laboratory Corporation of America, LabCorp
Classification: Pathogenic for Hereditary breast ovarian cancer syndrome. Last evaluated: 2017-08-10. Review status: criteria provided, single submitter. Criteria: LabCorp Variant Classification Summary - May 2015. Collection method: clinical testing. Allele origin: germline. Not counted in ClinVar's aggregate classification.
Comment: Variant summary: The BRCA1 c.68_69delAG (p.Glu23Valfs) variant results in a premature termination codon, predicted to cause a truncated or absent BRCA1 protein due to nonsense mediated decay, which are commonly known mechanisms for disease. The variant of interest is one of the most common Jewish founder mutations. Multiple publications have cited the variant in affected individuals. This variant was found in 29/120972 control chromosomes at a frequency of 0.0002397, which does not exceed the estimated maximal expected allele frequency of a pathogenic BRCA1 variant (0.0010005). In addition, multiple clinical diagnostic laboratories/reputable databases classified this variant as pathogenic. Taken together, this variant is classified as pathogenic.

Bioinformatics dept., Datar Cancer Genetics Limited, India
Classification: Pathogenic for Breast-ovarian cancer, familial, susceptibility to, 1. Last evaluated: 2017-07-14. Review status: criteria provided, single submitter. Criteria: ACMG Guidelines, 2015. Collection method: clinical testing. Allele origin: germline. Inheritance: Autosomal dominant inheritance. Affected: yes. Observed: 1 variant allele, 1 compound heterozygote. Not counted in ClinVar's aggregate classification.

Human Genome Sequencing Center Clinical Lab, Baylor College of Medicine
Classification: Pathogenic for Breast-ovarian cancer, familial, susceptibility to, 1. Last evaluated: 2017-05-25. Review status: criteria provided, single submitter. Criteria: ACMG Guidelines, 2015. Collection method: clinical testing. Allele origin: germline. Not counted in ClinVar's aggregate classification.
Comment: The c.68_69del (p.Glu23Valfs*17) variant in the BRCA1 gene has been detected multiple patients with breast cancer and/or ovarian cancer [PMID 14576434, 26718727, 21503673, 22430266, 23633455, 22752604, referred as c.185delAG in some publications]. This variant is a founder mutation in Ashkenazi Jews with a frequency of about 1% [PMID 14576434]. The variant has also been detected in patients with prostate [PMID 22516946] and pancreatic cancer [PMID 20711688, 24737347, 23658460, 26440929]. This one bp deletion in exon 2 results in a frameshift and the creation of a premature stop codon. Functional in vitro assays showed that this variant was deleterious [PMID 23867111]. This variant has been reported in 31 individuals from the ExAC database. This variant is thus classified as pathogenic

Department of Pathology and Molecular Medicine, Queen's University
Classification: Pathogenic for Hereditary breast ovarian cancer syndrome. Last evaluated: 2017-04-20. Review status: criteria provided, single submitter. Criteria: ACMG Guidelines, 2015. Collection method: clinical testing. Allele origin: germline. Study: The Canadian Open Genetics Repository (COGR). Not counted in ClinVar's aggregate classification.

Cancer Genetics and Genomics Laboratory, British Columbia Cancer Agency
Classification: Pathogenic for Hereditary breast ovarian cancer syndrome. Last evaluated: 2017-04-18. Review status: criteria provided, single submitter. Criteria: ACMG Guidelines, 2015. Collection method: clinical testing. Allele origin: germline. Study: The Canadian Open Genetics Repository (COGR). Not counted in ClinVar's aggregate classification.

Baylor Genetics
Classification: Pathogenic for Familial cancer of breast. Last evaluated: 2017-02-23. Review status: criteria provided, single submitter. Criteria: ACMG Guidelines, 2015. Collection method: clinical testing. Allele origin: germline. Inheritance: Autosomal dominant inheritance. Affected: yes. Observed: 1 variant allele. Not counted in ClinVar's aggregate classification.

Genologica Medica
Classification: Pathogenic for Breast-ovarian cancer, familial, susceptibility to, 1. Last evaluated: 2017-01-01. Review status: criteria provided, single submitter. Criteria: ACMG Guidelines, 2015. Collection method: clinical testing. Allele origin: germline. Affected: yes. Not counted in ClinVar's aggregate classification.

Genetic Services Laboratory, University of Chicago
Classification: Pathogenic for {Breast-ovarian cancer, familial, 1}. Last evaluated: 2016-12-02. Review status: criteria provided, single submitter. Criteria: ACMG Guidelines, 2015. Collection method: clinical testing. Allele origin: germline. Affected: yes. Not counted in ClinVar's aggregate classification.

Illumina Laboratory Services, Illumina
Classification: Pathogenic for Hereditary Breast and Ovarian Cancer. Last evaluated: 2016-06-14. Review status: criteria provided, single submitter. Criteria: ICSL Variant Classification 20161018. Collection method: clinical testing. Allele origin: germline. Not counted in ClinVar's aggregate classification.
Comment: The c.68_69delAG (p.Glu23ValfsTer17) variant, also commonly known as 185delAG, is a frameshift variant that is very well described in the literature as one of the most frequent variants found in breast cancer (Shattuck-Eidens et al. 1995; Offit et al. 1996). It was first identified in a study by Simard et al. (1994) in index cases from four unrelated Canadian families with hereditary breast and ovarian cancer (HBOC). Wang et al. (2012) conducted a meta-analysis of over 29 studies published between 2000 and 2010 and determined the overall frequency of the p.Glu23ValfsTer17 variant in 2128 breast cancer cases to be 0.072. The variant is one of three known common founder germline variants primarily found in individuals of Ashkenazi Jewish heritage (Struewing et al. 1997; Abeliovich et al. 1997; Laitman et al. 2013) and has been detected in 20% of Ashkenazi Jewish women diagnosed with breast cancer before age 42 years (Offit et al 1996). In the Ashkenazi Jewish population, the variant is associated with a risk of between 56% and 83% of breast cancer and of between 14% and 58% risk of ovarian cancer by the age of 70 (Struewing et al. 1997; Antoniou et al. 2005; Finkelman et al. 2012). The variant has been observed in individuals of other ethnicities (Wang et al. 2012; Laitman et al. 2013). The variant is reported at a frequency of 0.00042 in the European (Non-Finnish) population of the Exome Aggregation Consortium. Based on the available evidence, the p.Glu23ValfsTer17 variant is classified as pathogenic for hereditary breast and ovarian cancer.

Eurofins Ntd Llc (ga)
Classification: Pathogenic. Last evaluated: 2016-05-09. Review status: criteria provided, single submitter. Criteria: EGL Classification Definitions 2015. Collection method: clinical testing. Allele origin: germline. Observed: 4 variant alleles, 4 heterozygotes. Not counted in ClinVar's aggregate classification.